The following is an entry in ClinVar:

ClinVar aggregate classification (germline): Conflicting classifications of pathogenicity. Review status: criteria provided, conflicting classifications (1 of 4 stars). 6 submissions from 6 submitters: Uncertain significance (4); Likely benign (2). Last evaluated 2026-09-01.

Conditions:
ALPK3-related disorder. Also called: ALPK3-related condition.
Cardiovascular phenotype. Identifiers: MedGen CN230736.

Allele frequency attached by ClinVar (database versions not stated): TOPMed 0.00020; gnomAD 0.00021 and 0.00018; gnomAD exomes 0.00003 and 0.00007; ExAC 0.00009; ESP Exome Variant Server 0.00016.
gnomAD v4.1: 72 of 1,558,120 alleles (0.0046%); highest among the groups gnomAD compares: African/African-American, 0.074%; no homozygotes.

Submissions (6):

GeneDx
Classification: Uncertain significance. Last evaluated: 2026-09-01. Review status: criteria provided, single submitter. Criteria: GeneDx Variant Classification Process June 2021. Collection method: clinical testing. Allele origin: germline.
Comment: In silico analysis suggests that this missense variant does not alter protein structure/function; Has not been previously published as pathogenic or benign to our knowledge

PreventionGenetics, part of Exact Sciences
Classification: Uncertain significance for ALPK3-related condition. Last evaluated: 2026-05-13. Review status: criteria provided, single submitter. Criteria: ACMG Guidelines, 2015. Collection method: clinical testing. Allele origin: germline.
Comment: The ALPK3 c.4202G>A variant is predicted to result in the amino acid substitution p.Ser1401Asn. To our knowledge, this variant has not been reported in the literature. This variant is reported in 0.076% of alleles in individuals of African descent in gnomAD. Although we suspect that this variant may be benign, at this time, the clinical significance of this variant is uncertain due to the absence of conclusive functional and genetic evidence.

Women's Health and Genetics/Laboratory Corporation of America, LabCorp
Classification: Uncertain significance. Last evaluated: 2026-03-02. Review status: criteria provided, single submitter. Criteria: LabCorp Variant Classification Summary - May 2015. Collection method: clinical testing. Allele origin: germline.

Labcorp Genetics (formerly Invitae), Labcorp
Classification: Uncertain significance. Last evaluated: 2025-12-17. Review status: criteria provided, single submitter. Criteria: Invitae Variant Classification Sherloc (09022015). Collection method: clinical testing. Allele origin: germline.
Comment: This sequence change replaces serine, which is neutral and polar, with asparagine, which is neutral and polar, at codon 1401 of the ALPK3 protein (p.Ser1401Asn). This variant is present in population databases (rs372009130, gnomAD 0.07%). This variant has not been reported in the literature in individuals affected with ALPK3-related conditions. ClinVar contains an entry for this variant (Variation ID: 1300457). Invitae Evidence Modeling of protein sequence and biophysical properties (such as structural, functional, and spatial information, amino acid conservation, physicochemical variation, residue mobility, and thermodynamic stability) indicates that this missense variant is not expected to disrupt ALPK3 protein function with a negative predictive value of 80%. In summary, the available evidence is currently insufficient to determine the role of this variant in disease. Therefore, it has been classified as a Variant of Uncertain Significance.

Ambry Genetics
Classification: Likely benign for Cardiovascular phenotype. Last evaluated: 2025-06-25. Review status: criteria provided, single submitter. Criteria: Ambry Variant Classification Scheme 2023. Collection method: clinical testing. Allele origin: germline.

Blueprint Genetics
Classification: Likely benign. Last evaluated: 2022-12-28. Review status: criteria provided, single submitter. Criteria: ACMG Guidelines, 2015. Collection method: clinical testing. Allele origin: germline.

NM_020778.5(ALPK3):c.3596G>A (p.Ser1199Asn)

Gene: ALPK3 (alpha kinase 3; plus strand). Cytogenetic location: 15q25.3.
Variant type: single nucleotide variant.
Coding change: c.3596G>A on transcript NM_020778.5 (MANE Select); coding-DNA position 3596, G replaced by A.
Protein change: p.Ser1199Asn; replaces serine 1199 with asparagine.
Molecular consequence: missense variant.
Genome position (GRCh38, 1-based): chr15:84,858,334, G>A. VCF-style: chr15-84858334-G-A. GRCh37 (hg19) VCF-style: chr15-85401565-G-A.
Other names: short protein forms S1199N.
Identifiers: ClinVar variation 1300457 (VCV001300457.17), dbSNP rs372009130, ClinGen allele CA7709672.
Genomic context (GRCh38, chr15:84,858,334, plus strand): 5'-AGGCAACCACACCTGAAGAAAGGGAGAGCCCCACGGTTTCCCCCCGGGGGCCCAGGAAAA[G>A]CCTGGTGCCTGGGTCCCCAGGGACTCCAGGGCGGGAGAGACGCTCCCCTACGCAGGGCAG-3'
Protein context (NP_065829.4, residues 1189-1209): PTVSPRGPRK[Ser1199Asn]LVPGSPGTPG